The following is an entry in ClinVar:

ClinVar aggregate classification (germline): Likely benign. Review status: criteria provided, multiple submitters, no conflicts (2 of 4 stars). 5 submissions from 5 submitters: Likely benign (4). 1 of the submissions does not count toward it. Last evaluated 2025-12-22.

Conditions:
Cardiovascular phenotype. Identifiers: MedGen CN230736.
MYH7-related disorder. Also called: MYH7-related disorders; MYH7-related condition; MYH7-related disease.
Cardiomyopathy (CMYO). Also called: Cardiomyopathies. Identifiers: Orphanet 167848, MedGen C0878544, MONDO:0004994, HP:0001638. Inheritance: Various modes of inheritance.
Hypertrophic cardiomyopathy. Also called: HYPERTROPHIC MYOCARDIOPATHY. Identifiers: Orphanet 217569, MedGen C0007194, MeSH D002312, MONDO:0005045, HP:0001639.

Allele frequency attached by ClinVar (database versions not stated): gnomAD exomes below 0.00001 and 0.00001; TOPMed 0.00003; gnomAD 0.00004.
gnomAD v4.1: 10 of 1,614,116 alleles (0.00062%); highest among the groups gnomAD compares: African/African-American, 0.013%; no homozygotes.

Submissions (5):

Labcorp Genetics (formerly Invitae), Labcorp
Classification: Likely benign for Hypertrophic cardiomyopathy. Last evaluated: 2025-12-22. Review status: criteria provided, single submitter. Criteria: Invitae Variant Classification Sherloc (09022015). Collection method: clinical testing. Allele origin: germline.

All of Us Research Program, National Institutes of Health
Classification: Likely benign for Cardiomyopathy. Last evaluated: 2024-02-22. Review status: criteria provided, single submitter. Criteria: ACMG Guidelines, 2015. Collection method: clinical testing. Allele origin: germline. Inheritance: Autosomal dominant inheritance. Observed: 1 variant allele, 1 heterozygote.
Comment: This study involves interpretation of variants in research participants for the purpose of population health screening. Participant phenotype was not available at the time of variant classification. Additional details can be found in publication PMID: 35346344, PMCID: PMC8962531

Color Diagnostics, LLC DBA Color Health
Classification: Likely benign for Cardiomyopathy. Last evaluated: 2022-11-06. Review status: criteria provided, single submitter. Criteria: ACMG Guidelines, 2015. Collection method: clinical testing. Allele origin: germline.

Ambry Genetics
Classification: Likely benign for Cardiovascular phenotype. Last evaluated: 2020-02-06. Review status: criteria provided, single submitter. Criteria: Ambry Variant Classification Scheme 2023. Collection method: clinical testing. Allele origin: germline.

PreventionGenetics, part of Exact Sciences
Classification: Likely benign for MYH7-related condition. Last evaluated: 2024-06-18. Review status: no assertion criteria provided. Collection method: clinical testing. Allele origin: germline. Not counted in ClinVar's aggregate classification.
Comment: This variant is classified as likely benign based on ACMG/AMP sequence variant interpretation guidelines (Richards et al. 2015 PMID: 25741868, with internal and published modifications).

NM_000257.4(MYH7):c.1365C>T (p.Tyr455=)

Gene: MYH7 (myosin heavy chain 7; minus strand). Cytogenetic location: 14q11.2.
Variant type: single nucleotide variant.
Coding change: c.1365C>T on transcript NM_000257.4 (MANE Select); coding-DNA position 1365, C replaced by T.
Protein change: p.Tyr455=; no amino-acid change (tyrosine 455 retained).
Molecular consequence: synonymous variant.
Genome position (GRCh38, 1-based): chr14:23,428,997, G>A on the plus strand (C>T on the coding strand, the complement: MYH7 is on the minus strand). VCF-style: chr14-23428997-G-A. GRCh37 (hg19) VCF-style: chr14-23898206-G-A.
Identifiers: ClinVar variation 454340 (VCV000454340.15), dbSNP rs1025444130, ClinGen allele CA257823315.